The following is an entry in ClinVar:

NM_001267550.2(TTN):c.66430G>A (p.Ala22144Thr)

Genes: TTN (titin; minus strand), TTN-AS1 (TTN antisense RNA 1; plus strand). Cytogenetic location: 2q31.2.
Variant type: single nucleotide variant.
Coding change: c.66430G>A on transcript NM_001267550.2 (MANE Select); coding-DNA position 66430, G replaced by A.
Protein change: p.Ala22144Thr; replaces alanine 22144 with threonine.
Molecular consequence: missense variant.
Genome position (GRCh38, 1-based): chr2:178,581,939, C>T on the plus strand (G>A on the coding strand, the complement: TTN is on the minus strand). VCF-style: chr2-178581939-C-T. GRCh37 (hg19) VCF-style: chr2-179446666-C-T.
Other names: c.61507G>A, p.Ala20503Thr (NM_001256850.1); c.39235G>A, p.Ala13079Thr (NM_003319.4); c.58726G>A, p.Ala19576Thr (NM_133378.4); c.39610G>A, p.Ala13204Thr (NM_133432.3); c.39811G>A, p.Ala13271Thr (NM_133437.4); short protein forms A22144T, A20503T, A19576T, A13079T, A13271T, A13204T.
Identifiers: ClinVar variation 238827 (VCV000238827.32), dbSNP rs183276016, ClinGen allele CA1991530.

ClinVar aggregate classification (germline): Conflicting classifications of pathogenicity. Review status: criteria provided, conflicting classifications (1 of 4 stars). 12 submissions from 12 submitters: Uncertain significance (6); Likely benign (6). Last evaluated 2026-09-01.

Conditions:
TTN-related disorder. Also called: TTN-related disorders; TTN-related condition; TTN-related disease.
Cardiovascular phenotype. Identifiers: MedGen CN230736.
Dilated cardiomyopathy 1G (CMD1G). Identifiers: Orphanet 154, MedGen C1858763, MONDO:0011400, OMIM 604145.
Autosomal recessive limb-girdle muscular dystrophy type 2J (LGMDR10). Also called: MUSCULAR DYSTROPHY, LIMB-GIRDLE, AUTOSOMAL RECESSIVE 10; Limb-girdle muscular dystrophy, type 2J. Identifiers: Orphanet 140922, MedGen C1837342, MONDO:0012127, OMIM 608807.
Early-onset myopathy with fatal cardiomyopathy (CMYO5). Also called: CONGENITAL MYOPATHY 5 WITH CARDIOMYOPATHY; Salih Myopathy. Identifiers: Orphanet 289377, MedGen C2673677, MONDO:0012714, OMIM 611705. Disease mechanism: loss of function.
Tibial muscular dystrophy (TMD). Also called: Udd Distal Myopathy – Tibial Muscular Dystrophy; UDD MYOPATHY; Tibial muscular dystrophy, tardive. Identifiers: Orphanet 609, MedGen C1838244, MONDO:0010870, OMIM 600334.
Hypertrophic cardiomyopathy 9. Also called: Familial hypertrophic cardiomyopathy 9. Identifiers: MedGen C1861065, MONDO:0013412, OMIM 613765.
Myopathy, myofibrillar, 9, with early respiratory failure (MFM9). Also called: EDSTROM MYOPATHY; Hereditary myopathy with early respiratory failure; MYOPATHY, PROXIMAL, WITH EARLY RESPIRATORY MUSCLE INVOLVEMENT; Myopathy, distal, with early respiratory failure, autosomal dominant. Identifiers: Orphanet 178464, Orphanet 34521, MedGen C1863599, MONDO:0011362, OMIM 603689.

Allele frequency attached by ClinVar (database versions not stated): ExAC 0.00017; gnomAD 0.00024 and 0.00027; ESP Exome Variant Server 0.00025; gnomAD exomes 0.00027 and 0.00049; TOPMed 0.00027.
gnomAD v4.1: 749 of 1,613,062 alleles (0.046%); highest among the groups gnomAD compares: Non-Finnish European, 0.057%; no homozygotes.

Submissions (12):

CeGaT Center for Human Genetics Tuebingen
Classification: Likely benign. Last evaluated: 2026-09-01. Review status: criteria provided, single submitter. Criteria: CeGaT Center For Human Genetics Tuebingen Variant Classification Criteria Version 2. Collection method: clinical testing. Allele origin: germline. Affected: yes. Observed: 2 variant alleles.
Comment: TTN: BP4

Women's Health and Genetics/Laboratory Corporation of America, LabCorp
Classification: Likely benign. Last evaluated: 2025-12-01. Review status: criteria provided, single submitter. Criteria: LabCorp Variant Classification Summary - May 2015. Collection method: clinical testing. Allele origin: germline.
Comment: Variant summary: TTN c.58726G>A (p.Ala19576Thr) results in a non-conservative amino acid change located in the A-band of the encoded protein sequence. Algorithms developed to predict the effect of missense changes on protein structure and function are either unavailable or do not agree on the potential impact of this missense change. The variant allele was found at a frequency of 0.00027 in 248372 control chromosomes, predominantly at a frequency of 0.00055 within the Latino subpopulation in the gnomAD database. The observed variant frequency within Latino control individuals in the gnomAD database exceeds the estimated maximal expected allele frequency for disease-causing variants in TTN. c.58726G>A has been reported in the literature in individuals affected with sudden cardiac death (e.g. Nunn_2016, Sanchez_2016) or HCM (van Lint_2019). These report(s) do not provide unequivocal conclusions about association of the variant with Dilated Cardiomyopathy. To our knowledge, no experimental evidence demonstrating an impact on protein function has been reported. The following publications have been ascertained in the context of this evaluation (PMID: 26498160, 27930701, 30847666). ClinVar contains an entry for this variant (Variation ID: 238827). Based on the evidence outlined above, the variant was classified as likely benign.

Molecular Diagnostic Laboratory for Inherited Cardiovascular Disease, Montreal Heart Institute
Classification: Likely benign. Last evaluated: 2025-07-24. Review status: criteria provided, single submitter. Criteria: ACMG Guidelines, 2015. Collection method: clinical testing. Allele origin: germline. Affected: no.
Comment: BP1

PreventionGenetics, part of Exact Sciences
Classification: Likely benign for TTN-related condition. Last evaluated: 2025-07-08. Review status: criteria provided, single submitter. Criteria: ACMG Guidelines, 2015. Collection method: clinical testing. Allele origin: germline.
Comment: This variant is classified as likely benign based on ACMG/AMP sequence variant interpretation guidelines (Richards et al. 2015 PMID: 25741868, with internal and published modifications).

Revvity Omics, Revvity
Classification: Uncertain significance. Last evaluated: 2025-06-05. Review status: criteria provided, single submitter. Criteria: ACMG Guidelines, 2015. Collection method: clinical testing. Allele origin: germline.

GeneDx
Classification: Likely benign. Last evaluated: 2020-11-20. Review status: criteria provided, single submitter. Criteria: GeneDx Variant Classification Process June 2021. Collection method: clinical testing. Allele origin: germline. Affected: yes.
Comment: This variant is associated with the following publications: (PMID: 26498160, 27930701, 30847666)

Ambry Genetics
Classification: Likely benign for Cardiovascular phenotype. Last evaluated: 2020-06-16. Review status: criteria provided, single submitter. Criteria: Ambry Variant Classification Scheme 2023. Collection method: clinical testing. Allele origin: germline.

Mayo Clinic Laboratories, Mayo Clinic
Classification: Uncertain significance. Last evaluated: 2019-06-17. Review status: criteria provided, single submitter. Criteria: ACMG Guidelines, 2015. Collection method: clinical testing. Allele origin: germline. Observed: 1 variant allele.

Fulgent Genetics
Classification: Uncertain significance for Tibial muscular dystrophy; Myopathy, myofibrillar, 9, with early respiratory failure; Dilated cardiomyopathy 1G; Autosomal recessive limb-girdle muscular dystrophy type 2J; Early-onset myopathy with fatal cardiomyopathy; Hypertrophic cardiomyopathy 9. Last evaluated: 2018-10-31. Review status: criteria provided, single submitter. Criteria: ACMG Guidelines, 2015. Collection method: clinical testing. Allele origin: unknown.

Eurofins Ntd Llc (ga)
Classification: Uncertain significance. Last evaluated: 2018-08-13. Review status: criteria provided, single submitter. Criteria: EGL ClinVar v180209 classification definitions. Collection method: clinical testing. Allele origin: germline. Observed: 4 variant alleles, 4 heterozygotes.

Laboratory for Molecular Medicine, Mass General Brigham Personalized Medicine
Classification: Uncertain significance. Last evaluated: 2018-01-22. Review status: criteria provided, single submitter. Criteria: LMM Criteria. Collection method: clinical testing. Allele origin: germline. Observed: 1 variant allele.
Comment: Variant classified as Uncertain Significance - Favor Benign. The p.Ala19576Thr v ariant in TTN has not been previously reported in individuals with cardiomyopath y, but has been identified in 0.06% (19/34344) of Latino chromosomes, 0.04% (9/2 4000) of African chromosomes, and 0.04% (45/126096) of European chromosomes by t he Genome Aggregation Database (gnomAD; dbSNP rs183276016). It has been also reported in ClinVar (Variation ID:238827). Comput ational prediction tools and conservation analysis do not provide strong support for or against an impact to the protein. In summary, while the clinical signifi cance of the p.Ala19576Thr variant is uncertain, its frequency suggests that it is more likely to be benign. ACMG/AMP Criteria applied: BS1_Supporting.

Labcorp Genetics (formerly Invitae), Labcorp
Classification: Uncertain significance for Dilated cardiomyopathy 1G; Autosomal recessive limb-girdle muscular dystrophy type 2J. Last evaluated: 2017-11-14. Review status: criteria provided, single submitter. Criteria: Invitae Variant Classification Sherloc (09022015). Collection method: clinical testing. Allele origin: germline.

Literature cited by the submitters: PubMed 26498160 (cited by Women's Health and Genetics/Laboratory Corporation of America, LabCorp); PubMed 27930701 (cited by Women's Health and Genetics/Laboratory Corporation of America, LabCorp); PubMed 30847666 (cited by Women's Health and Genetics/Laboratory Corporation of America, LabCorp); PubMed 28166282 (cited by Ambry Genetics).